The following is an entry in ClinVar:

ClinVar aggregate classification (germline): Conflicting classifications of pathogenicity. Review status: criteria provided, conflicting classifications (1 of 4 stars). 4 submissions from 4 submitters: Uncertain significance (2); Likely benign (2). Last evaluated 2025-08-12.

Conditions:
Hereditary cancer-predisposing syndrome. Also called: Neoplastic Syndromes, Hereditary; Tumor predisposition; Hereditary Cancer Syndrome; Hereditary neoplastic syndrome. Identifiers: Orphanet 140162, MedGen C0027672, MeSH D009386, MONDO:0015356.
Hereditary breast ovarian cancer syndrome. Also called: Hereditary breast and ovarian cancer syndrome; Hereditary breast and ovarian cancer; Hereditary breast and ovarian cancer syndrome (HBOC); Breast and ovarian cancer; Hereditary breast and/or ovarian cancer syndrome; BRCA1- and BRCA2-Associated Hereditary Breast and Ovarian Cancer. Identifiers: Orphanet 145, MedGen C0677776, MeSH D061325, MONDO:0003582. Disease mechanism: loss of function.

Allele frequency attached by ClinVar (database versions not stated): gnomAD 0.00001.
gnomAD v4.1: 4 of 1,609,372 alleles (0.00025%); highest among the groups gnomAD compares: Non-Finnish European, 0.00034%; no homozygotes.

Submissions (4):

Labcorp Genetics (formerly Invitae), Labcorp
Classification: Likely benign for Hereditary breast ovarian cancer syndrome. Last evaluated: 2025-08-12. Review status: criteria provided, single submitter. Criteria: Invitae Variant Classification Sherloc (09022015). Collection method: clinical testing. Allele origin: germline.

Women's Health and Genetics/Laboratory Corporation of America, LabCorp
Classification: Uncertain significance. Last evaluated: 2025-03-24. Review status: criteria provided, single submitter. Criteria: LabCorp Variant Classification Summary - May 2015. Collection method: clinical testing. Allele origin: germline.
Comment: Variant summary: BRCA2 c.7618-5T>C alters a non-conserved nucleotide located close to a canonical splice site and therefore could affect mRNA splicing, leading to a significantly altered protein sequence. Consensus agreement among computation tools predict no significant impact on normal splicing. However, these predictions have yet to be confirmed by functional studies. The frequency data for this variant in gnomAD is considered unreliable, as metrics indicate poor data quality at this position. c.7618-5T>C has been reported in the literature in at least one individual affected with Breast Cancer (Pal_2013). These report(s) do not provide unequivocal conclusions about association of the variant with Hereditary Breast And Ovarian Cancer Syndrome. To our knowledge, no experimental evidence demonstrating an impact on protein function has been reported. The following publication has been ascertained in the context of this evaluation (PMID: 23320992). ClinVar contains an entry for this variant (Variation ID: 481548). Based on the evidence outlined above, the variant was classified as uncertain significance.

Quest Diagnostics Nichols Institute San Juan Capistrano
Classification: Uncertain significance. Last evaluated: 2024-08-07. Review status: criteria provided, single submitter. Criteria: Quest Diagnostics criteria. Collection method: clinical testing. Allele origin: unknown.
Comment: The BRCA2 c.7618-5T>C variant has been reported in the published literature in an individual with breast cancer (PMID: 23320992 (2013)). The frequency of this variant in the general population, 0.00019 (3/15430 chromosomes (Genome Aggregation Database)), is uninformative in the assessment of its pathogenicity. Analysis of this variant using software algorithms for the prediction of the effect of nucleotide changes on splicing yielded predictions that this variant does not affect BRCA2 mRNA splicing. Based on the available information, we are unable to determine the clinical significance of this variant.

Ambry Genetics
Classification: Likely benign for Hereditary cancer-predisposing syndrome. Last evaluated: 2024-05-24. Review status: criteria provided, single submitter. Criteria: Ambry Variant Classification Scheme 2023. Collection method: clinical testing. Allele origin: germline.

Literature cited by the submitters: PubMed 23320992 (cited by Women's Health and Genetics/Laboratory Corporation of America, LabCorp and Quest Diagnostics Nichols Institute San Juan Capistrano).

NM_000059.4(BRCA2):c.7618-5T>C

Gene: BRCA2 (BRCA2 DNA repair associated; plus strand). Cytogenetic location: 13q13.1.
Variant type: single nucleotide variant.
Coding change: c.7618-5T>C on transcript NM_000059.4 (MANE Select); 5 bases into the intron before coding-DNA position 7618, T replaced by C.
Molecular consequence: intron variant.
Genome position (GRCh38, 1-based): chr13:32,357,737, T>C. VCF-style: chr13-32357737-T-C. GRCh37 (hg19) VCF-style: chr13-32931874-T-C.
Identifiers: ClinVar variation 481548 (VCV000481548.19), dbSNP rs1356264344, ClinGen allele CA609453901.